The following is an entry in ClinVar:

ClinVar aggregate classification (germline): Uncertain significance (1 of 4 stars; one submission).

Conditions:
Deficiency of ferroxidase (ACEP). Also called: Ceruloplasmin deficiency; Familial apoceruloplasmin deficiency; Hereditary ceruloplasmin deficiency; Deficiency of ceruloplasmin; NEURODEGENERATION WITH BRAIN IRON ACCUMULATION 10; Aceruloplasminemia. Identifiers: Orphanet 48818, MedGen C0878682, MONDO:0011426, OMIM 604290, HP:0025498.

Allele frequency attached by ClinVar (database versions not stated): gnomAD exomes 0.00001; TOPMed 0.00002.
gnomAD v4.1: 18 of 1,613,850 alleles (0.0011%); highest among the groups gnomAD compares: South Asian, 0.0055%; no homozygotes.

Submission:

Labcorp Genetics (formerly Invitae), Labcorp
Classification: Uncertain significance for Deficiency of ferroxidase. Last evaluated: 2022-06-27. Review status: criteria provided, single submitter. Criteria: Invitae Variant Classification Sherloc (09022015). Collection method: clinical testing. Allele origin: germline.
Comment: This sequence change replaces asparagine, which is neutral and polar, with serine, which is neutral and polar, at codon 235 of the CP protein (p.Asn235Ser). This variant is present in population databases (no rsID available, gnomAD 0.006%). This variant has not been reported in the literature in individuals affected with CP-related conditions. Algorithms developed to predict the effect of missense changes on protein structure and function are either unavailable or do not agree on the potential impact of this missense change (SIFT: "Deleterious"; PolyPhen-2: "Possibly Damaging"; Align-GVGD: "Class C0"). In summary, the available evidence is currently insufficient to determine the role of this variant in disease. Therefore, it has been classified as a Variant of Uncertain Significance.

NM_000096.4(CP):c.704A>G (p.Asn235Ser)

Gene: CP (ceruloplasmin; minus strand). Cytogenetic location: 3q25.1.
Variant type: single nucleotide variant.
Coding change: c.704A>G on transcript NM_000096.4 (MANE Select); coding-DNA position 704, A replaced by G.
Protein change: p.Asn235Ser; replaces asparagine 235 with serine.
Molecular consequence: missense variant. On other transcripts: non-coding transcript variant (1).
Genome position (GRCh38, 1-based): chr3:149,209,288, T>C on the plus strand (A>G on the coding strand, the complement: CP is on the minus strand). VCF-style: chr3-149209288-T-C. GRCh37 (hg19) VCF-style: chr3-148927075-T-C.
Other names: short protein forms N235S.
Identifiers: ClinVar variation 1423711 (VCV001423711.7), dbSNP rs1336508383, ClinGen allele CA354916305.
Genomic context (GRCh38, chr3:149,209,288, plus strand): 5'-TCCTGGAAGTCTTCGTTGTCTTTGTCAACTTTCTCTGGTTCTGAGCAGTAGGTTTTAATG[T>C]TGTCTTCTAGGTACCAGCTGAAATTTTCATCCACCACAGAAAACATCACCACAAATTCTC-3'
Protein context (NP_000087.2, residues 225-245): DENFSWYLED[Asn235Ser]IKTYCSEPEK